The following is an entry in ClinVar:

NM_001197104.2(KMT2A):c.4471G>C (p.Ala1491Pro)

Gene: KMT2A (lysine methyltransferase 2A; plus strand). Cytogenetic location: 11q23.3.
Variant type: single nucleotide variant.
Coding change: c.4471G>C on transcript NM_001197104.2 (MANE Select); coding-DNA position 4471, G replaced by C.
Protein change: p.Ala1491Pro; replaces alanine 1491 with proline.
Molecular consequence: missense variant.
Genome position (GRCh38, 1-based): chr11:118,488,752, G>C. VCF-style: chr11-118488752-G-C. GRCh37 (hg19) VCF-style: chr11-118359467-G-C.
Other names: c.4570G>C, p.Ala1524Pro (NM_001412597.1); c.4471G>C, p.Ala1491Pro (NM_005933.4); short protein forms A1491P, A1524P.
Identifiers: ClinVar variation 1712018 (VCV001712018.2), dbSNP rs2134328375, ClinGen allele CA382832903.

ClinVar aggregate classification (germline): Uncertain significance (1 of 4 stars; one submission).

Allele frequency attached by ClinVar (database versions not stated): gnomAD exomes below 0.00001.
gnomAD v4.1: 2 of 1,614,038 alleles (0.00012%); highest among the groups gnomAD compares: Non-Finnish European, 0.00017%; no homozygotes.

Submission:

GeneDx
Classification: Uncertain significance. Last evaluated: 2022-04-18. Review status: criteria provided, single submitter. Criteria: GeneDx Variant Classification Process June 2021. Collection method: clinical testing. Allele origin: germline. Affected: yes.
Comment: Not observed at significant frequency in large population cohorts (gnomAD); In silico analysis supports that this missense variant does not alter protein structure/function; Has not been previously published as pathogenic or benign to our knowledge